The following is an entry in ClinVar:

NM_006361.6(HOXB13):c.447G>T (p.Val149=)

Gene: HOXB13 (homeobox B13; minus strand). Cytogenetic location: 17q21.32.
Variant type: single nucleotide variant.
Coding change: c.447G>T on transcript NM_006361.6 (MANE Select); coding-DNA position 447, G replaced by T.
Protein change: p.Val149=; no amino-acid change (valine 149 retained).
Molecular consequence: synonymous variant.
Genome position (GRCh38, 1-based): chr17:48,728,147, C>A on the plus strand (G>T on the coding strand, the complement: HOXB13 is on the minus strand). VCF-style: chr17-48728147-C-A. GRCh37 (hg19) VCF-style: chr17-46805509-C-A.
Identifiers: ClinVar variation 824923 (VCV000824923.13), dbSNP rs1597934186, ClinGen allele CA500660893.
Genomic context (GRCh38, chr17:48,728,147, plus strand): 5'-GTAACTGTCCACAGGCAACAGGGAGTCATGTCGCGGTTCTCCAGGAGCACCCAGAGTCTG[C>A]ACCACAGACACGTCCAGGTAACTGGCCATAGGCTGGTAGGTTCCCGGATATCCCGGATAG-3'
Protein context (NP_006352.2, residues 139-159): PMASYLDVSV[Val149=]QTLGAPGEPR

ClinVar aggregate classification (germline): Benign/Likely benign. Review status: criteria provided, multiple submitters, no conflicts (2 of 4 stars). 4 submissions from 4 submitters: Benign (1); Likely benign (3). Last evaluated 2026-01-14.

Conditions:
Hereditary cancer-predisposing syndrome. Also called: Neoplastic Syndromes, Hereditary; Tumor predisposition; Hereditary neoplastic syndrome; Hereditary Cancer Syndrome. Identifiers: Orphanet 140162, MedGen C0027672, MeSH D009386, MONDO:0015356.
Prostate cancer, hereditary, 9 (HPC9). Identifiers: Orphanet 1331, MedGen C1970250, MONDO:0012597, OMIM 610997.

Allele frequency attached by ClinVar (database versions not stated): gnomAD exomes 0.00001.

Submissions (4):

Labcorp Genetics (formerly Invitae), Labcorp
Classification: Likely benign. Last evaluated: 2026-01-14. Review status: criteria provided, single submitter. Criteria: Invitae Variant Classification Sherloc (09022015). Collection method: clinical testing. Allele origin: germline.

Quest Diagnostics Nichols Institute San Juan Capistrano
Classification: Likely benign. Last evaluated: 2024-12-27. Review status: criteria provided, single submitter. Criteria: Quest Diagnostics criteria. Collection method: clinical testing. Allele origin: unknown.

Myriad Genetics, Inc.
Classification: Benign for Prostate cancer, hereditary, 9. Last evaluated: 2024-10-30. Review status: criteria provided, single submitter. Criteria: Myriad Autosomal Dominant, Autosomal Recessive and X-Linked Classification Criteria (2023). Collection method: clinical testing. Allele origin: unknown.
Comment: This variant is considered benign. This variant is a silent/synonymous amino acid change and it is not expected to impact splicing.

Ambry Genetics
Classification: Likely benign for Hereditary cancer-predisposing syndrome. Last evaluated: 2018-11-06. Review status: criteria provided, single submitter. Criteria: Ambry Variant Classification Scheme 2023. Collection method: clinical testing. Allele origin: germline.